The following is an entry in ClinVar:

NM_002473.6(MYH9):c.5137A>G (p.Ser1713Gly)

Gene: MYH9 (myosin heavy chain 9; minus strand). Cytogenetic location: 22q12.3.
Variant type: single nucleotide variant.
Coding change: c.5137A>G on transcript NM_002473.6 (MANE Select); coding-DNA position 5137, A replaced by G.
Protein change: p.Ser1713Gly; replaces serine 1713 with glycine.
Molecular consequence: missense variant.
Genome position (GRCh38, 1-based): chr22:36,285,878, T>C on the plus strand (A>G on the coding strand, the complement: MYH9 is on the minus strand). VCF-style: chr22-36285878-T-C. GRCh37 (hg19) VCF-style: chr22-36681924-T-C.
Other names: short protein forms S1713G.
Identifiers: ClinVar variation 402285 (VCV000402285.2), dbSNP rs764139009, ClinGen allele CA10209162.

ClinVar aggregate classification (germline): Likely benign. Review status: criteria provided, single submitter (1 of 4 stars). 2 submissions from 2 submitters: Likely benign (1). 1 of the submissions does not count toward it. Last evaluated 2025-08-18.

Conditions:
Hearing loss, autosomal recessive. Also called: Autosomal recessive nonsyndromic deafness; Nonsyndromic Hearing Loss, Recessive; Deafness, autosomal recessive; Rare autosomal recessive non-syndromic sensorineural deafness type DFNB. Identifiers: Orphanet 90635, Orphanet 90636, MedGen C1846647, MONDO:0019588, OMIM 607197.

Allele frequency attached by ClinVar (database versions not stated): gnomAD exomes below 0.00001 and 0.00001; TOPMed below 0.00001; ExAC 0.00001; gnomAD 0.00001.
gnomAD v4.1: 6 of 1,613,386 alleles (0.00037%); highest among the groups gnomAD compares: Middle Eastern, 0.016%; no homozygotes.

Submissions (2):

Labcorp Genetics (formerly Invitae), Labcorp
Classification: Likely benign. Last evaluated: 2025-08-18. Review status: criteria provided, single submitter. Criteria: Invitae Variant Classification Sherloc (09022015). Collection method: clinical testing. Allele origin: germline.

Hereditary Research Laboratory, Bethlehem University
Classification: Pathogenic for Hearing loss, autosomal recessive. Last evaluated: 2016-06-04. Review status: no assertion criteria provided. Collection method: research. Allele origin: germline. Affected: yes. Not counted in ClinVar's aggregate classification.
Comment: worse at lower freqs, ears different